The following is an entry in ClinVar:

ClinVar aggregate classification (germline): Likely pathogenic (1 of 4 stars; one submission).

Conditions:
Autosomal recessive DNA2-related disorders.

gnomAD v4.1: 1 of 1,613,830 alleles (0.000062%); highest among the groups gnomAD compares: Non-Finnish European, 0.000085%; no homozygotes.

Submission:

Variantyx, Inc.
Classification: Likely pathogenic for Autosomal recessive DNA2-related disorders. Last evaluated: 2025-12-31. Review status: criteria provided, single submitter. Criteria: Variantyx Assertion Criteria 2022. Collection method: clinical testing. Allele origin: germline. Inheritance: Autosomal recessive inheritance.
Comment: This is a nonsense variant in the DNA2 gene (OMIM: 601810). Pathogenic variants in this gene have been associated with autosomal recessive DNA2-related disorders. This variant introduces a premature termination codon in exon 10 out of 21 and is expected to result in loss of function, which is a known disease mechanism for DNA2 in these disorders(PVS1) (PMID:37055165;24389050). This variant has a 0.0001% maximum allele frequency in non-founder control populations (PM2). Based on the current evidence, this variant is classified as likely pathogenic for autosomal recessive DNA2-related disorders.No other variant of clinical significance was identified in the DNA2 gene. Of note, emerging evidence suggests a likely role of heterozygous loss of function variants in early onset myopathy (PMID: 28554558,25635128,31636600,36064591). However, more evidence is required to establish an association.

Literature cited by the submitters: PubMed 37055165; PubMed 24389050; PubMed 28554558; PubMed 25635128; PubMed 31636600; PubMed 36064591.

NM_001080449.3(DNA2):c.1501C>T (p.Gln501Ter)

Gene: DNA2 (DNA replication helicase/nuclease 2; minus strand). Cytogenetic location: 10q21.3.
Variant type: single nucleotide variant.
Coding change: c.1501C>T on transcript NM_001080449.3 (MANE Select); coding-DNA position 1501, C replaced by T.
Protein change: p.Gln501Ter; replaces glutamine 501 with a stop codon.
Molecular consequence: nonsense. On other transcripts: non-coding transcript variant (1).
Genome position (GRCh38, 1-based): chr10:68,437,156, G>A on the plus strand (C>T on the coding strand, the complement: DNA2 is on the minus strand). VCF-style: chr10-68437156-G-A. GRCh37 (hg19) VCF-style: chr10-70196913-G-A.
Other names: short protein forms Q501*.
Identifiers: ClinVar variation 4813803 (VCV004813803.1).